The following is an entry in ClinVar:

ClinVar aggregate classification (germline): Uncertain significance (1 of 4 stars; one submission).

Allele frequency attached by ClinVar (database versions not stated): TOPMed 0.00001; gnomAD 0.00001; gnomAD exomes 0.00001.
gnomAD v4.1: 17 of 1,614,102 alleles (0.0011%); highest among the groups gnomAD compares: East Asian, 0.0022%; no homozygotes.

Submission:

Labcorp Genetics (formerly Invitae), Labcorp
Classification: Uncertain significance. Last evaluated: 2022-02-04. Review status: criteria provided, single submitter. Criteria: Invitae Variant Classification Sherloc (09022015). Collection method: clinical testing. Allele origin: germline.
Comment: This sequence change replaces aspartic acid, which is acidic and polar, with asparagine, which is neutral and polar, at codon 418 of the C8A protein (p.Asp418Asn). This variant is present in population databases (no rsID available, gnomAD 0.007%). This variant has not been reported in the literature in individuals affected with C8A-related conditions. Algorithms developed to predict the effect of missense changes on protein structure and function output the following: SIFT: "Deleterious"; PolyPhen-2: "Possibly Damaging"; Align-GVGD: "Class C15". The asparagine amino acid residue is found in multiple mammalian species, which suggests that this missense change does not adversely affect protein function. In summary, the available evidence is currently insufficient to determine the role of this variant in disease. Therefore, it has been classified as a Variant of Uncertain Significance.

NM_000562.3(C8A):c.1252G>A (p.Asp418Asn)

Gene: C8A (complement C8 alpha chain; plus strand). Cytogenetic location: 1p32.2.
Variant type: single nucleotide variant.
Coding change: c.1252G>A on transcript NM_000562.3 (MANE Select); coding-DNA position 1252, G replaced by A.
Protein change: p.Asp418Asn; replaces aspartic acid 418 with asparagine.
Molecular consequence: missense variant.
Genome position (GRCh38, 1-based): chr1:56,907,985, G>A. VCF-style: chr1-56907985-G-A. GRCh37 (hg19) VCF-style: chr1-57373658-G-A.
Other names: short protein forms D418N.
Identifiers: ClinVar variation 1972086 (VCV001972086.2), dbSNP rs1366027429, ClinGen allele CA340514137.